The following is an entry in ClinVar:

ClinVar aggregate classification (germline): Likely benign. Review status: criteria provided, multiple submitters, no conflicts (2 of 4 stars). 5 submissions from 5 submitters: Likely benign (5). Last evaluated 2025-06-16.

Conditions:
Cardiovascular phenotype. Identifiers: MedGen CN230736.
Catecholaminergic polymorphic ventricular tachycardia (CVPT). Also called: Catecholamine-induced polymorphic ventricular tachycardia. Identifiers: Orphanet 3286, MedGen C5574922, MONDO:0017990.
Cardiomyopathy (CMYO). Also called: Cardiomyopathies. Identifiers: Orphanet 167848, MedGen C0878544, MONDO:0004994, HP:0001638. Inheritance: Various modes of inheritance.
Catecholaminergic polymorphic ventricular tachycardia 1. Also called: RYR2-Related Catecholaminergic Polymorphic Ventricular Tachycardia; VENTRICULAR TACHYCARDIA, CATECHOLAMINERGIC POLYMORPHIC, 1, WITH OR WITHOUT ATRIAL DYSFUNCTION AND/OR DILATED CARDIOMYOPATHY; VENTRICULAR TACHYCARDIA, STRESS-INDUCED POLYMORPHIC 1. Identifiers: Orphanet 3286, MedGen C1631597, MONDO:0011484, OMIM 604772.

Allele frequency attached by ClinVar (database versions not stated): gnomAD exomes 0.00001; ExAC 0.00004.
gnomAD v4.1: 10 of 1,613,292 alleles (0.00062%); highest among the groups gnomAD compares: Non-Finnish European, 0.00076%; no homozygotes.

Submissions (5):

Labcorp Genetics (formerly Invitae), Labcorp
Classification: Likely benign for Catecholaminergic polymorphic ventricular tachycardia 1. Last evaluated: 2025-06-16. Review status: criteria provided, single submitter. Criteria: Invitae Variant Classification Sherloc (09022015). Collection method: clinical testing. Allele origin: germline.

All of Us Research Program, National Institutes of Health
Classification: Likely benign for Catecholaminergic polymorphic ventricular tachycardia. Last evaluated: 2023-05-04. Review status: criteria provided, single submitter. Criteria: ACMG Guidelines, 2015. Collection method: clinical testing. Allele origin: germline. Inheritance: Autosomal dominant inheritance. Observed: 3 variant alleles, 3 heterozygotes.
Comment: This study involves interpretation of variants in research participants for the purpose of population health screening. Participant phenotype was not available at the time of variant classification. Additional details can be found in publication PMID: 35346344, PMCID: PMC8962531

Color Diagnostics, LLC DBA Color Health
Classification: Likely benign for Cardiomyopathy. Last evaluated: 2022-11-06. Review status: criteria provided, single submitter. Criteria: ACMG Guidelines, 2015. Collection method: clinical testing. Allele origin: germline.

Ambry Genetics
Classification: Likely benign for Cardiovascular phenotype. Last evaluated: 2021-11-18. Review status: criteria provided, single submitter. Criteria: Ambry Variant Classification Scheme 2023. Collection method: clinical testing. Allele origin: germline.

GeneDx
Classification: Likely benign. Last evaluated: 2018-06-29. Review status: criteria provided, single submitter. Criteria: GeneDx Variant Classification Process June 2021. Collection method: clinical testing. Allele origin: germline. Affected: yes.

NM_001035.3(RYR2):c.7825C>T (p.Leu2609=)

Gene: RYR2 (ryanodine receptor 2; plus strand). Cytogenetic location: 1q43.
Variant type: single nucleotide variant.
Coding change: c.7825C>T on transcript NM_001035.3 (MANE Select); coding-DNA position 7825, C replaced by T.
Protein change: p.Leu2609=; no amino-acid change (leucine 2609 retained).
Molecular consequence: synonymous variant.
Genome position (GRCh38, 1-based): chr1:237,654,274, C>T. VCF-style: chr1-237654274-C-T. GRCh37 (hg19) VCF-style: chr1-237817574-C-T.
Identifiers: ClinVar variation 938923 (VCV000938923.16), dbSNP rs767568460, ClinGen allele CA087515.